The following is an entry in ClinVar:

ClinVar aggregate classification (germline): Conflicting classifications of pathogenicity. Review status: criteria provided, conflicting classifications (1 of 4 stars). 2 submissions from 2 submitters: Uncertain significance (1); Likely benign (1). Last evaluated 2025-07-07.

Conditions:
Inborn genetic diseases. Identifiers: MedGen C0950123, MeSH D030342.

Allele frequency attached by ClinVar (database versions not stated): gnomAD 0.00003; gnomAD exomes 0.00004; TOPMed 0.00004; ExAC 0.00005.
gnomAD v4.1: 67 of 1,614,232 alleles (0.0042%); highest among the groups gnomAD compares: Middle Eastern, 0.066%; no homozygotes.

Submissions (2):

Labcorp Genetics (formerly Invitae), Labcorp
Classification: Uncertain significance. Last evaluated: 2025-07-07. Review status: criteria provided, single submitter. Criteria: Invitae Variant Classification Sherloc (09022015). Collection method: clinical testing. Allele origin: germline.
Comment: This sequence change replaces leucine, which is neutral and non-polar, with proline, which is neutral and non-polar, at codon 955 of the ARHGAP31 protein (p.Leu955Pro). This variant is present in population databases (rs763215003, gnomAD 0.009%). This variant has not been reported in the literature in individuals affected with ARHGAP31-related conditions. ClinVar contains an entry for this variant (Variation ID: 2189017). An algorithm developed to predict the effect of missense changes on protein structure and function (PolyPhen-2) suggests that this variant is likely to be disruptive. In summary, the available evidence is currently insufficient to determine the role of this variant in disease. Therefore, it has been classified as a Variant of Uncertain Significance.

Ambry Genetics
Classification: Likely benign for Inborn genetic diseases. Last evaluated: 2023-01-23. Review status: criteria provided, single submitter. Criteria: Ambry Variant Classification Scheme 2023. Collection method: clinical testing. Allele origin: germline.

NM_020754.4(ARHGAP31):c.2864T>C (p.Leu955Pro)

Gene: ARHGAP31 (Rho GTPase activating protein 31; plus strand). Cytogenetic location: 3q13.33.
Variant type: single nucleotide variant.
Coding change: c.2864T>C on transcript NM_020754.4 (MANE Select); coding-DNA position 2864, T replaced by C.
Protein change: p.Leu955Pro; replaces leucine 955 with proline.
Molecular consequence: missense variant.
Genome position (GRCh38, 1-based): chr3:119,414,793, T>C. VCF-style: chr3-119414793-T-C. GRCh37 (hg19) VCF-style: chr3-119133640-T-C.
Other names: c.2864T>C (NM_020754.2); short protein forms L955P.
Identifiers: ClinVar variation 2189017 (VCV002189017.6), dbSNP rs763215003, ClinGen allele CA2554114.
Genomic context (GRCh38, chr3:119,414,793, plus strand): 5'-AGGGTCACCAGTTGGAGAAGAGGCTTTCCCACAGGCCCAGCCTTCGCCAGAGCCATTCTC[T>C]AGATAGCAAACCCACGGTTAAAAGCCAGTGGACTCTCGAGGTTCCCTCCTCCAGCAGCTG-3'
Protein context (NP_065805.2, residues 945-965): HRPSLRQSHS[Leu955Pro]DSKPTVKSQW